The following is an entry in ClinVar:

NM_015335.5(MED13L):c.1448C>T (p.Pro483Leu)

Gene: MED13L (mediator complex subunit 13L; minus strand). Cytogenetic location: 12q24.21.
Variant type: single nucleotide variant.
Coding change: c.1448C>T on transcript NM_015335.5 (MANE Select); coding-DNA position 1448, C replaced by T.
Protein change: p.Pro483Leu; replaces proline 483 with leucine.
Molecular consequence: missense variant.
Genome position (GRCh38, 1-based): chr12:116,008,965, G>A on the plus strand (C>T on the coding strand, the complement: MED13L is on the minus strand). VCF-style: chr12-116008965-G-A. GRCh37 (hg19) VCF-style: chr12-116446770-G-A.
Other names: short protein forms P483L.
Identifiers: ClinVar variation 1311518 (VCV001311518.2), dbSNP rs2137386182, ClinGen allele CA386896481.

ClinVar aggregate classification (germline): Uncertain significance (1 of 4 stars; one submission).

Submission:

GeneDx
Classification: Uncertain significance. Last evaluated: 2020-01-30. Review status: criteria provided, single submitter. Criteria: GeneDx Variant Classification Process June 2021. Collection method: clinical testing. Allele origin: germline. Affected: yes.
Comment: Not observed in large population cohorts (Lek et al., 2016); In silico analysis, which includes protein predictors and evolutionary conservation, supports a deleterious effect; Has not been previously published as pathogenic or benign to our knowledge